The following is an entry in ClinVar:

NM_001082486.2(ACD):c.799G>T (p.Ala267Ser)

Gene: ACD (ACD shelterin complex subunit and telomerase recruitment factor; minus strand). Cytogenetic location: 16q22.1.
Variant type: single nucleotide variant.
Coding change: c.799G>T on transcript NM_001082486.2 (MANE Select); coding-DNA position 799, G replaced by T.
Protein change: p.Ala267Ser; replaces alanine 267 with serine.
Molecular consequence: missense variant.
Genome position (GRCh38, 1-based): chr16:67,658,585, C>A on the plus strand (G>T on the coding strand, the complement: ACD is on the minus strand). VCF-style: chr16-67658585-C-A. GRCh37 (hg19) VCF-style: chr16-67692488-C-A.
Other names: c.790G>T, p.Ala264Ser (NM_022914.3); short protein forms A264S, A267S.
Identifiers: ClinVar variation 1038926 (VCV001038926.9), dbSNP rs775607009, ClinGen allele CA8114529.

ClinVar aggregate classification (germline): Conflicting classifications of pathogenicity. Review status: criteria provided, conflicting classifications (1 of 4 stars). 3 submissions from 3 submitters: Uncertain significance (2); Likely benign (1). Last evaluated 2025-12-29.

Conditions:
Inborn genetic diseases. Identifiers: MedGen C0950123, MeSH D030342.
Dyskeratosis congenita, autosomal dominant 6 (DKCA6). Identifiers: Orphanet 3322, MedGen C4225284, MONDO:0014690, OMIM 616553.

Allele frequency attached by ClinVar (database versions not stated): TOPMed 0.00002; gnomAD exomes 0.00003 and 0.00008; ExAC 0.00009.
gnomAD v4.1: 21 of 1,572,970 alleles (0.0013%); highest among the groups gnomAD compares: Admixed American, 0.032%; no homozygotes.

Submissions (3):

Center for Genomic Medicine, Rigshospitalet, Copenhagen University Hospital
Classification: Uncertain significance. Last evaluated: 2025-12-29. Review status: criteria provided, single submitter. Criteria: ACMG Guidelines, 2015. Collection method: clinical testing. Allele origin: germline.

Labcorp Genetics (formerly Invitae), Labcorp
Classification: Uncertain significance for Dyskeratosis congenita, autosomal dominant 6. Last evaluated: 2025-05-22. Review status: criteria provided, single submitter. Criteria: Invitae Variant Classification Sherloc (09022015). Collection method: clinical testing. Allele origin: germline.
Comment: This sequence change replaces alanine, which is neutral and non-polar, with serine, which is neutral and polar, at codon 353 of the ACD protein (p.Ala353Ser). This variant is present in population databases (rs775607009, gnomAD 0.04%). This variant has not been reported in the literature in individuals affected with ACD-related conditions. ClinVar contains an entry for this variant (Variation ID: 1038926). Invitae Evidence Modeling of protein sequence and biophysical properties (such as structural, functional, and spatial information, amino acid conservation, physicochemical variation, residue mobility, and thermodynamic stability) indicates that this missense variant is not expected to disrupt ACD protein function with a negative predictive value of 80%. In summary, the available evidence is currently insufficient to determine the role of this variant in disease. Therefore, it has been classified as a Variant of Uncertain Significance.

Ambry Genetics
Classification: Likely benign for Inborn genetic diseases. Last evaluated: 2021-09-14. Review status: criteria provided, single submitter. Criteria: Ambry Variant Classification Scheme 2023. Collection method: clinical testing. Allele origin: germline.